The following is an entry in ClinVar:

NM_001734.5(C1S):c.1802A>G (p.Glu601Gly)

Gene: C1S (complement C1s; plus strand). Cytogenetic location: 12p13.31.
Variant type: single nucleotide variant.
Coding change: c.1802A>G on transcript NM_001734.5 (MANE Select); coding-DNA position 1802, A replaced by G.
Protein change: p.Glu601Gly; replaces glutamic acid 601 with glycine.
Molecular consequence: missense variant.
Genome position (GRCh38, 1-based): chr12:7,070,386, A>G. VCF-style: chr12-7070386-A-G. GRCh37 (hg19) VCF-style: chr12-7177690-A-G.
Other names: c.1301A>G, p.Glu434Gly (NM_001346850.2); c.1802A>G, p.Glu601Gly (NM_201442.4); short protein forms E434G, E601G.
Identifiers: ClinVar variation 2277251 (VCV002277251.3), dbSNP rs1565625075, ClinGen allele CA383707044.

ClinVar aggregate classification (germline): Uncertain significance. Review status: criteria provided, multiple submitters, no conflicts (2 of 4 stars). 2 submissions from 2 submitters: Uncertain significance (2). Last evaluated 2025-04-07.

Conditions:
Inborn genetic diseases. Identifiers: MedGen C0950123, MeSH D030342.

Allele frequency attached by ClinVar (database versions not stated): gnomAD exomes below 0.00001; TOPMed below 0.00001.

Submissions (2):

Labcorp Genetics (formerly Invitae), Labcorp
Classification: Uncertain significance. Last evaluated: 2025-04-07. Review status: criteria provided, single submitter. Criteria: Invitae Variant Classification Sherloc (09022015). Collection method: clinical testing. Allele origin: germline.
Comment: This sequence change replaces glutamic acid, which is acidic and polar, with glycine, which is neutral and non-polar, at codon 601 of the C1S protein (p.Glu601Gly). This variant is not present in population databases (gnomAD no frequency). This variant has not been reported in the literature in individuals affected with C1S-related conditions. ClinVar contains an entry for this variant (Variation ID: 2277251). An algorithm developed to predict the effect of missense changes on protein structure and function (PolyPhen-2) suggests that this variant is likely to be tolerated. In summary, the available evidence is currently insufficient to determine the role of this variant in disease. Therefore, it has been classified as a Variant of Uncertain Significance.

Ambry Genetics
Classification: Uncertain significance for Inborn genetic diseases. Last evaluated: 2022-02-11. Review status: criteria provided, single submitter. Criteria: Ambry Variant Classification Scheme 2023. Collection method: clinical testing. Allele origin: germline.